The following is an entry in ClinVar:

NM_000293.3(PHKB):c.1609-20_1609-5del

Gene: PHKB (phosphorylase kinase regulatory subunit beta; plus strand). Cytogenetic location: 16q12.1.
Variant type: Deletion.
Coding change: c.1609-20_1609-5del on transcript NM_000293.3 (MANE Select); 20 bases into the intron before coding-DNA position 1609 through 5 bases into the intron before coding-DNA position 1609, 16 bases deleted (TACAAACTTGTGTCTT).
Molecular consequence: intron variant.
Genome position (GRCh38, 1-based): chr16:47,648,513-47,648,528, TACAAACTTGTGTCTT deleted; deleting any 16 consecutive bases within chr16:47,648,511-47,648,528 gives the same sequence; the c. name uses the placement nearest the transcript's 3' end. VCF-style (leftmost placement, unchanged base first): chr16-47648510-ATTTACAAACTTGTGTC-A. GRCh37 (hg19) VCF-style: chr16-47682421-ATTTACAAACTTGTGTC-A.
Other names: c.1609-20_1609-5del (NM_001363837.1); c.1588-20_1588-5del (NM_001031835.3).
Identifiers: ClinVar variation 3053585 (VCV003053585.2), dbSNP rs2506564508, ClinGen allele CA2740093327.

ClinVar aggregate classification (germline): Likely benign (0 of 4 stars; one submission).

Conditions:
PHKB-related disorder. Also called: PHKB-related condition.

Submission:

PreventionGenetics, part of Exact Sciences
Classification: Likely benign for PHKB-related condition. Last evaluated: 2022-06-23. Review status: no assertion criteria provided. Collection method: clinical testing. Allele origin: germline.
Comment: This variant is classified as likely benign based on ACMG/AMP sequence variant interpretation guidelines (Richards et al. 2015 PMID: 25741868, with internal and published modifications).